The following is an entry in ClinVar:

ClinVar aggregate classification (germline): Uncertain significance (1 of 4 stars; one submission).

Conditions:
Alpha thalassemia-X-linked intellectual disability syndrome (ATRX). Also called: ALPHA-THALASSEMIA/MENTAL RETARDATION SYNDROME, X-LINKED; ATR, NONDELETION TYPE; ATR-X syndrome; Alpha thalassemia mental retardation syndrome, nondeletion type, X-linked; XLMR hypotonic face syndrome; X-linked alpha-thalassemia-mental retardation syndrome. Identifiers: Orphanet 847, MedGen C1845055, MONDO:0010519, OMIM 301040.

Submission:

Labcorp Genetics (formerly Invitae), Labcorp
Classification: Uncertain significance for Alpha thalassemia-X-linked intellectual disability syndrome. Last evaluated: 2023-05-07. Review status: criteria provided, single submitter. Criteria: Invitae Variant Classification Sherloc (09022015). Collection method: clinical testing. Allele origin: germline.
Comment: This sequence change replaces serine, which is neutral and polar, with threonine, which is neutral and polar, at codon 1286 of the ATRX protein (p.Ser1286Thr). This variant is not present in population databases (gnomAD no frequency). This variant has not been reported in the literature in individuals affected with ATRX-related conditions. Advanced modeling of protein sequence and biophysical properties (such as structural, functional, and spatial information, amino acid conservation, physicochemical variation, residue mobility, and thermodynamic stability) performed at Invitae indicates that this missense variant is not expected to disrupt ATRX protein function. In summary, the available evidence is currently insufficient to determine the role of this variant in disease. Therefore, it has been classified as a Variant of Uncertain Significance.

NM_000489.6(ATRX):c.3856T>A (p.Ser1286Thr)

Gene: ATRX (ATRX chromatin remodeler; minus strand). Cytogenetic location: Xq21.1.
Variant type: single nucleotide variant.
Coding change: c.3856T>A on transcript NM_000489.6 (MANE Select); coding-DNA position 3856, T replaced by A.
Protein change: p.Ser1286Thr; replaces serine 1286 with threonine.
Molecular consequence: missense variant.
Genome position (GRCh38, 1-based): chrX:77,664,732, A>T on the plus strand (T>A on the coding strand, the complement: ATRX is on the minus strand). VCF-style: chrX-77664732-A-T. GRCh37 (hg19) VCF-style: chrX-76920221-A-T.
Other names: c.3742T>A, p.Ser1248Thr (NM_138270.5); short protein forms S1248T, S1286T.
Identifiers: ClinVar variation 2832209 (VCV002832209.3), dbSNP rs782439341, ClinGen allele CA413700263.